The following is an entry in ClinVar:

NM_005751.5(AKAP9):c.10860C>A (p.Ile3620=)

Gene: AKAP9 (A-kinase anchoring protein 9; plus strand). Cytogenetic location: 7q21.2.
Variant type: single nucleotide variant.
Coding change: c.10860C>A on transcript NM_005751.5 (MANE Select); coding-DNA position 10860, C replaced by A.
Protein change: p.Ile3620=; no amino-acid change (isoleucine 3620 retained).
Molecular consequence: synonymous variant.
Genome position (GRCh38, 1-based): chr7:92,099,833, C>A. VCF-style: chr7-92099833-C-A. GRCh37 (hg19) VCF-style: chr7-91729147-C-A.
Other names: c.5505C>A, p.Ile1835= (NM_001379277.1); c.10836C>A, p.Ile3612= (NM_147185.3).
Identifiers: ClinVar variation 2449779 (VCV002449779.2), dbSNP rs1052013069, ClinGen allele CA456454258.

ClinVar aggregate classification (germline): Uncertain significance (1 of 4 stars; one submission).

Conditions:
Cardiovascular phenotype. Identifiers: MedGen CN230736.

Submission:

Ambry Genetics
Classification: Uncertain significance for Cardiovascular phenotype. Last evaluated: 2023-02-16. Review status: criteria provided, single submitter. Criteria: Ambry Variant Classification Scheme 2023. Collection method: clinical testing. Allele origin: germline.
Comment: The c.10860C>A variant (also known as p.I3620I), located in coding exon 44 of the AKAP9 gene, results from a C to A substitution at nucleotide position 10860. This nucleotide substitution does not change the isoleucine at codon 3620. This nucleotide position is not well conserved in available vertebrate species. In silico splice site analysis for this alteration is inconclusive. The evidence for this gene-disease relationship is limited; therefore, the clinical significance of this alteration is unclear.